The following is an entry in ClinVar:

NM_016507.4(CDK12):c.249C>G (p.Phe83Leu)

Genes: CDK12 (cyclin dependent kinase 12; plus strand), LOC126862553 (CDK7 strongly-dependent group 2 enhancer GRCh37_chr17:37618166-37619365; plus strand). Cytogenetic location: 17q12.
Variant type: single nucleotide variant.
Coding change: c.249C>G on transcript NM_016507.4 (MANE Select); coding-DNA position 249, C replaced by G.
Protein change: p.Phe83Leu; replaces phenylalanine 83 with leucine.
Molecular consequence: missense variant.
Genome position (GRCh38, 1-based): chr17:39,462,320, C>G. VCF-style: chr17-39462320-C-G. GRCh37 (hg19) VCF-style: chr17-37618573-C-G.
Other names: c.249C>G, p.Phe83Leu (NM_015083.4); short protein forms F83L.
Identifiers: ClinVar variation 3999472 (VCV003999472.1).

ClinVar aggregate classification (germline): Uncertain significance (1 of 4 stars; one submission).

gnomAD v4.1: 4 of 1,614,210 alleles (0.00025%); highest among the groups gnomAD compares: Non-Finnish European, 0.00034%; no homozygotes.

Submission:

Ambry Genetics
Classification: Uncertain significance. Last evaluated: 2025-05-19. Review status: criteria provided, single submitter. Criteria: Ambry Variant Classification Scheme 2023. Collection method: clinical testing. Allele origin: germline.
Comment: The p.F83L variant (also known as c.249C>G), located in coding exon 1 of the CDK12 gene, results from a C to G substitution at nucleotide position 249. The phenylalanine at codon 83 is replaced by leucine, an amino acid with highly similar properties. This amino acid position is conserved. In addition, this alteration is predicted to be tolerated by in silico analysis. Based on the available evidence, the clinical significance of this variant remains unclear.